The following is an entry in ClinVar:

ClinVar aggregate classification (germline): Conflicting classifications of pathogenicity. Review status: criteria provided, conflicting classifications (1 of 4 stars). 10 submissions from 10 submitters: Uncertain significance (2); Likely benign (6). 2 of the submissions do not count toward it. Last evaluated 2026-02-04.

Conditions:
PCDH15-related disorder. Also called: PCDH15-related disorders; PCDH15-related condition.
Usher syndrome type 1F (USH1F). Also called: USHER SYNDROME, TYPE IF. Identifiers: Orphanet 231169, Orphanet 886, MedGen C1865885, MONDO:0011186, OMIM 602083.
Usher syndrome type 1D (USH1D). Also called: USHER SYNDROME, TYPE ID. Identifiers: Orphanet 231169, Orphanet 886, MedGen C1832845, MONDO:0010984, OMIM 601067.

Submissions (10):

Labcorp Genetics (formerly Invitae), Labcorp
Classification: Likely benign. Last evaluated: 2026-02-04. Review status: criteria provided, single submitter. Criteria: Invitae Variant Classification Sherloc (09022015). Collection method: clinical testing. Allele origin: germline.

CeGaT Center for Human Genetics Tuebingen
Classification: Uncertain significance. Last evaluated: 2025-12-01. Review status: criteria provided, single submitter. Criteria: CeGaT Center For Human Genetics Tuebingen Variant Classification Criteria Version 2. Collection method: clinical testing. Allele origin: germline. Affected: yes. Observed: 2 variant alleles.
Comment: PCDH15: PM4, BS1:Supporting

Blueprint Genetics
Classification: Likely benign. Last evaluated: 2024-11-27. Review status: criteria provided, single submitter. Criteria: ACMG Guidelines, 2015. Collection method: clinical testing. Allele origin: germline.

Myriad Genetics, Inc.
Classification: Uncertain significance for Usher syndrome type 1D. Last evaluated: 2021-10-01. Review status: criteria provided, single submitter. Criteria: Myriad Women's Health Autosomal Recessive and X-Linked Classification Criteria (2021). Collection method: clinical testing. Allele origin: unknown.
Comment: NM_033056.3(PCDH15):c.5287_5292del6(A1763_P1764del) is an in-frame deletion classified as a variant of uncertain significance in the context of PCDH15-related disorders. A1763_P1764del has been observed in cases with relevant disease (PMID: 25830873, 27792758). Functional assessments of this variant are not available in the literature. A1763_P1764del has been observed in population frequency databases (gnomAD: EAS 0.57%). In summary, there is insufficient evidence to classify NM_033056.3(PCDH15):c.5287_5292del6(A1763_P1764del) as pathogenic or benign. Please note: this variant was assessed in the context of healthy population screening.

Genome-Nilou Lab
Classification: Likely benign for Usher syndrome type 1F. Last evaluated: 2021-05-18. Review status: criteria provided, single submitter. Criteria: ACMG Guidelines, 2015. Collection method: clinical testing. Allele origin: germline. Affected: no.

GeneDx
Classification: Likely benign. Last evaluated: 2021-04-13. Review status: criteria provided, single submitter. Criteria: GeneDx Variant Classification Process June 2021. Collection method: clinical testing. Allele origin: germline. Affected: yes.
Comment: This variant is associated with the following publications: (PMID: 25307757, 26047050, 33576794, 33111339)

ARUP Laboratories, Molecular Genetics and Genomics, ARUP Laboratories
Classification: Likely benign. Last evaluated: 2020-07-02. Review status: criteria provided, single submitter. Criteria: ARUP Molecular Germline Variant Investigation Process. Collection method: clinical testing. Allele origin: germline.

Laboratory for Molecular Medicine, Mass General Brigham Personalized Medicine
Classification: Likely benign. Last evaluated: 2015-04-14. Review status: criteria provided, single submitter. Criteria: LMM Criteria. Collection method: clinical testing. Allele origin: germline. Observed: 7 variant alleles.
Comment: p.Ala1763_Pro1764del in exon 33 of PCDH15: This variant is not expected to have clinical significance because it has been identified in 0.8% (18/2306) of East A sian chromosomes by the Exome Aggregation Consortium (ExAC; dbSNP rs397517465). This variant leads to a two codon in-frame delet ion located in the last exon of the gene; however, one study suggests that exon 33 is more tolerant of variation, including truncating variants (Perrault-Micale 2014).

PreventionGenetics, part of Exact Sciences
Classification: Likely benign for PCDH15-related condition. Last evaluated: 2020-12-30. Review status: no assertion criteria provided. Collection method: clinical testing. Allele origin: germline. Not counted in ClinVar's aggregate classification.
Comment: This variant is classified as likely benign based on ACMG/AMP sequence variant interpretation guidelines (Richards et al. 2015 PMID: 25741868, with internal and published modifications).

Natera, Inc.
Classification: Benign for Usher syndrome type 1F. Last evaluated: 2020-04-16. Review status: no assertion criteria provided. Collection method: clinical testing. Allele origin: germline. Not counted in ClinVar's aggregate classification.

Literature cited by the submitters: PubMed 25830873 (cited by Myriad Genetics, Inc.); PubMed 27792758 (cited by Myriad Genetics, Inc.); PubMed 25307757 (cited by Laboratory for Molecular Medicine, Mass General Brigham Personalized Medicine).

NM_033056.4(PCDH15):c.5281GCTCCT[1] (p.1761AP[1])

Gene: PCDH15 (protocadherin related 15; minus strand). Cytogenetic location: 10q21.1.
Variant type: Microsatellite.
Coding change: c.5281GCTCCT[1] on transcript NM_033056.4 (MANE Plus Clinical); one copy of the 6-base unit GCTCCT starting at c.5281; the reference has two copies in a row; one copy, 6 bases deleted; also written c.5287_5292del.
Protein change: p.1761AP[1].
Molecular consequence: inframe deletion. On other transcripts: intron variant (8).
Genome position (GRCh38, 1-based): chr10:53,822,434-53,822,439, AGGAGC deleted on the plus strand (GCTCCT on the coding strand, the reverse complement: PCDH15 is on the minus strand); deleting any 6 consecutive bases within chr10:53,822,434-53,822,450 gives the same sequence; the position shown is the placement nearest the transcript's 3' end. VCF-style (leftmost placement, unchanged base first): chr10-53822433-GAGGAGC-G. GRCh37 (hg19) VCF-style: chr10-55582193-GAGGAGC-G.
Other names: c.5281_5286GCTCCT[1] (NM_033056.4); c.5287_5292del (NM_033056.3, NM_033056.4); c.5287_5292del6 (NM_033056.3); c.4373+2697_4373+2702del (NM_001142772.2, NM_001142770.3); c.4388+2697_4388+2702del (NM_001142771.2); c.4388+4954_4388+4959del (NM_001354411.2); c.4409+2697_4409+2702del (NM_001142769.3); c.5302GCTCCT[1], p.1768AP[1] (NM_001142763.2); and 10 more.
Identifiers: ClinVar variation 46493 (VCV000046493.60), dbSNP rs397517465, ClinGen allele CA138459.
Genomic context (GRCh38, chr10:53,822,433, plus strand): 5'-AAGGAGGAGAGGGAGGAGGACAAAAAAGAGAAAAAGGAGAAATGTCAGGAGGAGGAGCAA[GAGGAGC>G]AGGAGCAGGAGGAGGAGAAGGAGGAGAAATAGGAGGAGGAGGGGGAAGGGGACAGGCAGA-3'